The following is an entry in ClinVar:

ClinVar aggregate classification (germline): Uncertain significance (1 of 4 stars; one submission).

Conditions:
Fanconi anemia (FA). Also called: Fanconi's anemia. Identifiers: Orphanet 84, MedGen C0015625, MeSH D005199, MONDO:0019391.

Submission:

Labcorp Genetics (formerly Invitae), Labcorp
Classification: Uncertain significance for Fanconi anemia. Last evaluated: 2021-08-17. Review status: criteria provided, single submitter. Criteria: Invitae Variant Classification Sherloc (09022015). Collection method: clinical testing. Allele origin: germline.
Comment: In summary, the available evidence is currently insufficient to determine the role of this variant in disease. Therefore, it has been classified as a Variant of Uncertain Significance. Algorithms developed to predict the effect of missense changes on protein structure and function are either unavailable or do not agree on the potential impact of this missense change (SIFT: "Tolerated"; PolyPhen-2: "Probably Damaging"; Align-GVGD: "Class C0"). This variant has not been reported in the literature in individuals affected with FANCB-related conditions. This variant is not present in population databases (ExAC no frequency). This sequence change replaces glutamic acid with lysine at codon 683 of the FANCB protein (p.Glu683Lys). The glutamic acid residue is moderately conserved and there is a small physicochemical difference between glutamic acid and lysine.

NM_001018113.3(FANCB):c.2047G>A (p.Glu683Lys)

Gene: FANCB (FA complementation group B; minus strand). Cytogenetic location: Xp22.2.
Variant type: single nucleotide variant.
Coding change: c.2047G>A on transcript NM_001018113.3 (MANE Select); coding-DNA position 2047, G replaced by A.
Protein change: p.Glu683Lys; replaces glutamic acid 683 with lysine.
Molecular consequence: missense variant.
Genome position (GRCh38, 1-based): chrX:14,844,621, C>T on the plus strand (G>A on the coding strand, the complement: FANCB is on the minus strand). VCF-style: chrX-14844621-C-T. GRCh37 (hg19) VCF-style: chrX-14862743-C-T.
Other names: c.2047G>A, p.Glu683Lys (NM_001324162.2, NM_152633.4); short protein forms E683K.
Identifiers: ClinVar variation 1428727 (VCV001428727.6), dbSNP rs2147389460, ClinGen allele CA412438605.
Genomic context (GRCh38, chrX:14,844,621, plus strand): 5'-TCCCATAGAAACTTCCCGGTCTTTCACAAAAGTACACTTCTGGAAATTCTTTGATTATTT[C>T]ACATTTCATATGTTCTAAGAGCCACACCTTCATTGAATTCAGGGCATAGCCGGGTGATGT-3'
Protein context (NP_001018123.1, residues 673-693): KVWLLEHMKC[Glu683Lys]IIKEFPEVYF